The following is an entry in ClinVar:

NM_004655.4(AXIN2):c.1161C>G (p.Ser387Arg)

Gene: AXIN2 (axin 2; minus strand). Cytogenetic location: 17q24.1.
Variant type: single nucleotide variant.
Coding change: c.1161C>G on transcript NM_004655.4 (MANE Select); coding-DNA position 1161, C replaced by G.
Protein change: p.Ser387Arg; replaces serine 387 with arginine.
Molecular consequence: missense variant.
Genome position (GRCh38, 1-based): chr17:65,538,242, G>C on the plus strand (C>G on the coding strand, the complement: AXIN2 is on the minus strand). VCF-style: chr17-65538242-G-C. GRCh37 (hg19) VCF-style: chr17-63534360-G-C.
Other names: c.1161C>G, p.Ser387Arg (NM_001363813.1); short protein forms S387R.
Identifiers: ClinVar variation 847020 (VCV000847020.9), dbSNP rs1598100863, ClinGen allele CA400678265.

ClinVar aggregate classification (germline): Uncertain significance (1 of 4 stars; one submission).

Conditions:
Oligodontia-cancer predisposition syndrome. Also called: TOOTH AGENESIS-COLORECTAL CANCER SYNDROME. Identifiers: Orphanet 300576, MedGen C1837750, MONDO:0012075, OMIM 608615. Disease mechanism: loss of function.

Submission:

Labcorp Genetics (formerly Invitae), Labcorp
Classification: Uncertain significance for Oligodontia-cancer predisposition syndrome. Last evaluated: 2019-04-09. Review status: criteria provided, single submitter. Criteria: Invitae Variant Classification Sherloc (09022015). Collection method: clinical testing. Allele origin: germline.
Comment: This sequence change replaces serine with arginine at codon 387 of the AXIN2 protein (p.Ser387Arg). The serine residue is weakly conserved and there is a moderate physicochemical difference between serine and arginine. This variant is not present in population databases (ExAC no frequency). This variant has not been reported in the literature in individuals with AXIN2-related conditions. Algorithms developed to predict the effect of missense changes on protein structure and function (SIFT, PolyPhen-2, Align-GVGD) all suggest that this variant is likely to be tolerated, but these predictions have not been confirmed by published functional studies and their clinical significance is uncertain. In summary, the available evidence is currently insufficient to determine the role of this variant in disease. Therefore, it has been classified as a Variant of Uncertain Significance.